The following is an entry in ClinVar:

ClinVar aggregate classification (germline): Uncertain significance. Review status: criteria provided, multiple submitters, no conflicts (2 of 4 stars). 2 submissions from 2 submitters: Uncertain significance (2). Last evaluated 2025-11-15.

Conditions:
Mandibulofacial dysostosis-microcephaly syndrome (MFDGA). Also called: Growth and mental retardation, mandibulofacial dysostosis, microcephaly, and cleft palate; Mandibulofacial dysostosis, Guion-Almeida type. Identifiers: Orphanet 79113, MedGen C1864652, MONDO:0012516, OMIM 610536.

Submissions (2):

Labcorp Genetics (formerly Invitae), Labcorp
Classification: Uncertain significance. Last evaluated: 2025-11-15. Review status: criteria provided, single submitter. Criteria: Invitae Variant Classification Sherloc (09022015). Collection method: clinical testing. Allele origin: germline.
Comment: This sequence change replaces valine, which is neutral and non-polar, with phenylalanine, which is neutral and non-polar, at codon 595 of the EFTUD2 protein (p.Val595Phe). This variant is not present in population databases (gnomAD no frequency). This variant has not been reported in the literature in individuals affected with EFTUD2-related conditions. ClinVar contains an entry for this variant (Variation ID: 3062104). Invitae Evidence Modeling of protein sequence and biophysical properties (such as structural, functional, and spatial information, amino acid conservation, physicochemical variation, residue mobility, and thermodynamic stability) indicates that this missense variant is expected to disrupt EFTUD2 protein function with a positive predictive value of 80%. In summary, the available evidence is currently insufficient to determine the role of this variant in disease. Therefore, it has been classified as a Variant of Uncertain Significance.

Illumina Laboratory Services, Illumina
Classification: Uncertain significance for Mandibulofacial dysostosis-microcephaly syndrome. Last evaluated: 2020-04-11. Review status: criteria provided, single submitter. Criteria: ICSLVariantClassificationCriteria RUGD 01 April 2020. Collection method: clinical testing. Allele origin: unknown.
Comment: The EFTUD2 c.1783G>T p.(Val595Phe) missense variant has not, to our knowledge, been reported in the peer-reviewed literature. This variant is not observed in version 2.1.1 or version 4.0.0 of the Genome Aggregation Database. Based on the limited evidence, the c.1783G>T p.(Val595Phe) variant is classified as a variant of uncertain significance for mandibulofacial dysostosis-microcephaly syndrome.

NM_004247.4(EFTUD2):c.1783G>T (p.Val595Phe)

Gene: EFTUD2 (elongation factor Tu GTP binding domain containing 2; minus strand). Cytogenetic location: 17q21.31.
Variant type: single nucleotide variant.
Coding change: c.1783G>T on transcript NM_004247.4 (MANE Select); coding-DNA position 1783, G replaced by T.
Protein change: p.Val595Phe; replaces valine 595 with phenylalanine.
Molecular consequence: missense variant.
Genome position (GRCh38, 1-based): chr17:44,859,982, C>A on the plus strand (G>T on the coding strand, the complement: EFTUD2 is on the minus strand). VCF-style: chr17-44859982-C-A. GRCh37 (hg19) VCF-style: chr17-42937350-C-A.
Other names: c.1678G>T, p.Val560Phe (NM_001142605.2); c.1783G>T, p.Val595Phe (NM_001258353.2); c.1753G>T, p.Val585Phe (NM_001258354.2); short protein forms V560F, V585F, V595F.
Identifiers: ClinVar variation 3062104 (VCV003062104.2), dbSNP rs2508751596, ClinGen allele CA399811966.